The following is an entry in ClinVar:

ClinVar aggregate classification (germline): Uncertain significance (1 of 4 stars; one submission).

gnomAD v4.1: 4 of 1,603,488 alleles (0.00025%); highest among the groups gnomAD compares: Admixed American, 0.0067%; no homozygotes.

Submission:

Labcorp Genetics (formerly Invitae), Labcorp
Classification: Uncertain significance. Last evaluated: 2022-01-12. Review status: criteria provided, single submitter. Criteria: Invitae Variant Classification Sherloc (09022015). Collection method: clinical testing. Allele origin: germline.
Comment: This variant has not been reported in the literature in individuals affected with GLIS3-related conditions. This sequence change falls in intron 5 of the GLIS3 gene. It does not directly change the encoded amino acid sequence of the GLIS3 protein. It affects a nucleotide within the consensus splice site. This variant is not present in population databases (gnomAD no frequency). Variants that disrupt the consensus splice site are a relatively common cause of aberrant splicing (PMID: 17576681, 9536098). Algorithms developed to predict the effect of sequence changes on RNA splicing suggest that this variant is not likely to affect RNA splicing. In summary, the available evidence is currently insufficient to determine the role of this variant in disease. Therefore, it has been classified as a Variant of Uncertain Significance.

Literature cited by the submitters: PubMed 17576681; PubMed 9536098.

NM_001042413.2(GLIS3):c.1983+6T>G

Gene: GLIS3 (GLIS family zinc finger 3; minus strand). Cytogenetic location: 9p24.2.
Variant type: single nucleotide variant.
Coding change: c.1983+6T>G on transcript NM_001042413.2 (MANE Select); 6 bases into the intron after coding-DNA position 1983, T replaced by G.
Molecular consequence: intron variant.
Genome position (GRCh38, 1-based): chr9:3,932,354, A>C on the plus strand (T>G on the coding strand, the complement: GLIS3 is on the minus strand). VCF-style: chr9-3932354-A-C. GRCh37 (hg19) VCF-style: chr9-3932354-A-C.
Other names: c.1518+6T>G (NM_152629.4).
Identifiers: ClinVar variation 1946043 (VCV001946043.5), dbSNP rs2488685990, ClinGen allele CA2580080203.